The following is an entry in ClinVar:

ClinVar aggregate classification (germline): Pathogenic (1 of 4 stars; one submission).

Conditions:
Ehlers-Danlos syndrome, classic type, 1 (EDSCL1). Also called: EHLERS-DANLOS SYNDROME, GRAVIS TYPE; EHLERS-DANLOS SYNDROME, SEVERE CLASSIC TYPE; Ehlers-Danlos syndrome, type 1; Ehlers-Danlos Syndrome, Classic Type, COL5A1-Related; EDS I. Identifiers: MedGen C0268335, MONDO:0019567, OMIM 130000.
Osteogenesis imperfecta type I (OI1). Also called: OI, TYPE I; OSTEOGENESIS IMPERFECTA TARDA; OSTEOGENESIS IMPERFECTA WITH BLUE SCLERAE; Osteogenesis imperfecta type 1; Lobstein's Disease; Lobstein disease. Identifiers: Orphanet 216796, Orphanet 666, MedGen C0023931, MONDO:0008146, OMIM 166200. Disease mechanism: loss of function.

Submission:

Labcorp Genetics (formerly Invitae), Labcorp
Classification: Pathogenic for Osteogenesis imperfecta type I; Ehlers-Danlos syndrome, classic type, 1. Last evaluated: 2025-06-16. Review status: criteria provided, single submitter. Criteria: Invitae Variant Classification Sherloc (09022015). Collection method: clinical testing. Allele origin: germline.
Comment: This sequence change creates a premature translational stop signal (p.Gly784Trpfs*41) in the COL1A2 gene. It is expected to result in an absent or disrupted protein product. Loss-of-function variants in COL1A2 are known to be pathogenic (PMID: 11288717, 15077201). This variant is not present in population databases (gnomAD no frequency). This variant has not been reported in the literature in individuals affected with COL1A2-related conditions. For these reasons, this variant has been classified as Pathogenic.

Literature cited by the submitters: PubMed 11288717; PubMed 15077201.

NM_000089.4(COL1A2):c.2342dup (p.Gly784fs)

Gene: COL1A2 (collagen type I alpha 2 chain; plus strand). Cytogenetic location: 7q21.3.
Variant type: Duplication.
Coding change: c.2342dup on transcript NM_000089.4 (MANE Select); coding-DNA position 2342, one base duplicated (G; older notation c.2342dupG).
Protein change: p.Gly784fs; shifts the reading frame from glycine 784.
Molecular consequence: frameshift variant.
Genome position (GRCh38, 1-based): chr7:94,421,055, G duplicated; the last of 2 consecutive G bases (chr7:94,421,054-94,421,055); duplicating either gives the same sequence. VCF-style (leftmost placement, unchanged base first): chr7-94421053-A-AG. GRCh37 (hg19) VCF-style: chr7-94050365-A-AG.
Other names: short protein forms G784fs.
Identifiers: ClinVar variation 4785293 (VCV004785293.1).